The following is an entry in ClinVar:

ClinVar aggregate classification (germline): Pathogenic/Likely pathogenic. Review status: criteria provided, multiple submitters, no conflicts (2 of 4 stars). 5 submissions from 5 submitters: Pathogenic (2); Likely pathogenic (3). Last evaluated 2025-12-17.

Conditions:
Familial thoracic aortic aneurysm and aortic dissection (TAAD). Also called: Thoracic aortic aneurysms and dissections. Identifiers: Orphanet 91387, MedGen C4707243, MONDO:0019625.
Marfan syndrome (MFS). Also called: FBN1-Related Marfan Syndrome; Marfan syndrome type 1; Marfan's syndrome; Marfan syndrome, classic; MARFAN SYNDROME, TYPE I. Identifiers: Orphanet 284963, Orphanet 558, MedGen C0024796, MONDO:0007947, OMIM 154700.
Marfan Syndrome/Loeys-Dietz Syndrome/Familial Thoracic Aortic Aneurysms and Dissections. Identifiers: MedGen CN229799.

Submissions (5):

Labcorp Genetics (formerly Invitae), Labcorp
Classification: Pathogenic for Marfan syndrome; Familial thoracic aortic aneurysm and aortic dissection. Last evaluated: 2025-12-17. Review status: criteria provided, single submitter. Criteria: Invitae Variant Classification Sherloc (09022015). Collection method: clinical testing. Allele origin: germline.
Comment: This sequence change replaces glycine, which is neutral and non-polar, with arginine, which is basic and polar, at codon 2555 of the FBN1 protein (p.Gly2555Arg). This variant is not present in population databases (gnomAD no frequency). This missense change has been observed in individuals with clinical features of Marfan syndrome (PMID: 28973303; internal data). ClinVar contains an entry for this variant (Variation ID: 567107). Invitae Evidence Modeling of protein sequence and biophysical properties (such as structural, functional, and spatial information, amino acid conservation, physicochemical variation, residue mobility, and thermodynamic stability) indicates that this missense variant is expected to disrupt FBN1 protein function with a positive predictive value of 95%. This variant disrupts the p.Gly2555 amino acid residue in FBN1. Other variant(s) that disrupt this residue have been determined to be pathogenic (PMID: 17657824, 19293843). This suggests that this residue is clinically significant, and that variants that disrupt this residue are likely to be disease-causing. For these reasons, this variant has been classified as Pathogenic.

GeneDx
Classification: Likely pathogenic. Last evaluated: 2024-04-23. Review status: criteria provided, single submitter. Criteria: GeneDx Variant Classification Process June 2021. Collection method: clinical testing. Allele origin: germline. Affected: yes.
Comment: Reported in a patient with non-syndromic aortic aneurysm and an increased arm span to height ratio; however no additional clinical details or segregation data are available (PMID: 28973303); Not observed at significant frequency in large population cohorts (gnomAD); In silico analysis supports that this missense variant has a deleterious effect on protein structure/function; Although located in a calcium-binding EGF-like domain of the FBN1 gene, it does not affect a cysteine residue within this domain; cysteine substitutions in the calcium-binding EGF-like domains represent the majority of pathogenic missense changes associated with FBN1-related disorders (PMID: 12938084); This variant is associated with the following publications: (PMID: 17657824, 19293843, 12938084, 28973303)

All of Us Research Program, National Institutes of Health
Classification: Likely pathogenic for Marfan syndrome. Last evaluated: 2023-07-08. Review status: criteria provided, single submitter. Criteria: ACMG Guidelines, 2015. Collection method: clinical testing. Allele origin: germline. Inheritance: Autosomal dominant inheritance. Observed: 1 variant allele, 1 heterozygote.
Comment: The c.7663G>A (p.Gly2555Arg) variant of the FBN1 gene has been reported in the literature in one individual with non syndromic aortic dissection (PMID: 28973303). The variant was not detected in the patient's unaffected siblings and mother while the father?s DNA was unavailable for testing (PMID: 28973303). In-silico computational prediction tools suggest that the p.Gly2555Arg variant may have deleterious effect on the protein function (REVEL score: 0.907). This variant is absent in the general population database gnomAD. Another amino acid substitution at the same position (p.Gly2555Val) has been classified as pathogenic by two ClinVar submitters (ClinVar ID: 572714). Therefore, the c.7663G>A (p.Gly2555Arg) variant in FBN1 is classified as likely pathogenic.

This study involves interpretation of variants in research participants for the purpose of population health screening. Participant phenotype was not available at the time of variant classification. Additional details can be found in publication PMID: 35346344, PMCID: PMC8962531

Ambry Genetics
Classification: Pathogenic for Familial thoracic aortic aneurysm and aortic dissection. Last evaluated: 2022-07-05. Review status: criteria provided, single submitter. Criteria: Ambry Variant Classification Scheme 2023. Collection method: clinical testing. Allele origin: germline.
Comment: The p.G2555R pathogenic mutation (also known as c.7663G>A), located in coding exon 61 of the FBN1 gene, results from a G to A substitution at nucleotide position 7663. The glycine at codon 2555 is replaced by arginine, an amino acid with dissimilar properties. This alteration has been reported in subjects with a suspected diagnosis of Marfan syndrome (Tan L et al. Hum Mol Genet, 2017 12;26:4814-4822; GeneDx pers. comm.). This variant has also been reported as de novo in a proband with aortic root dilation and spondylolisthesis (GeneDx pers. comm.). Another alteration at the same codon, p.G2555V (c.7664G>T), has been reported in individuals with clincal features of Marfan syndrome (Comeglio P et al. Hum Mutat, 2007 Sep;28:928). In addition, this variant is considered to be rare based on population cohorts in the Genome Aggregation Database (gnomAD). This amino acid position is highly conserved in available vertebrate species. In addition, this alteration is predicted to be deleterious by in silico analysis. Based on the supporting evidence, this alteration is interpreted as a disease-causing mutation.

Women's Health and Genetics/Laboratory Corporation of America, LabCorp
Classification: Likely pathogenic for Marfan Syndrome/Loeys-Dietz Syndrome/Familial Thoracic Aortic Aneurysms and Dissections. Last evaluated: 2019-02-11. Review status: criteria provided, single submitter. Criteria: LabCorp Variant Classification Summary - May 2015. Collection method: clinical testing. Allele origin: germline.
Comment: Variant summary: FBN1 c.7663G>A (p.Gly2555Arg) results in a non-conservative amino acid change located in the EGF-like calcium-binding domain of the encoded protein sequence. Five of five in-silico tools predict a damaging effect of the variant on protein function. The variant was absent in 114338 control chromosomes. The available data on variant occurrences in the general population are insufficient to allow any conclusion about variant significance. c.7663G>A has been reported in the literature in an individual affected with Marfan Syndrome and suggested to be a de novo occurrence. The patient's unaffected siblings and mother were genotyped and did not carry the variant. In addition, another variant affecting the same codon p.G2555V has been reported in at least 3 pts presenting with classical MFS. Other missense FBN1 variants nearby, p.R2554W, p.R2554Q, p.T2561P, have been reported in association with MFS, indicating this region could be important for proper FBN1 protein function. To our knowledge, no experimental evidence demonstrating an impact on protein function has been reported. A ClinVar submission from a clinical diagnostic laboratory (evaluation after 2014) cites the variant as uncertain significance. Based on the evidence outlined above, the variant was classified as likely pathogenic.

Literature cited by the submitters: PubMed 28973303 (cited by 4 submitters); PubMed 17657824 (cited by Labcorp Genetics (formerly Invitae), Labcorp); PubMed 19293843 (cited by Labcorp Genetics (formerly Invitae), Labcorp).

NM_000138.5(FBN1):c.7663G>A (p.Gly2555Arg)

Gene: FBN1 (fibrillin 1; minus strand). Cytogenetic location: 15q21.1.
Variant type: single nucleotide variant.
Coding change: c.7663G>A on transcript NM_000138.5 (MANE Select); coding-DNA position 7663, G replaced by A.
Protein change: p.Gly2555Arg; replaces glycine 2555 with arginine.
Molecular consequence: missense variant.
Genome position (GRCh38, 1-based): chr15:48,421,594, C>T on the plus strand (G>A on the coding strand, the complement: FBN1 is on the minus strand). VCF-style: chr15-48421594-C-T. GRCh37 (hg19) VCF-style: chr15-48713791-C-T.
Other names: short protein forms G2555R.
Identifiers: ClinVar variation 567107 (VCV000567107.17), dbSNP rs1566891655, ClinGen allele CA392325065.